The following is an entry in ClinVar:

ClinVar aggregate classification (germline): Uncertain significance (1 of 4 stars; one submission).

Conditions:
Werner syndrome (WRN). Identifiers: Orphanet 902, MedGen C0043119, MONDO:0010196, OMIM 277700.

gnomAD v4.1: 2 of 1,614,076 alleles (0.00012%); highest among the groups gnomAD compares: African/African-American, 0.0027%; no homozygotes.

Submission:

Labcorp Genetics (formerly Invitae), Labcorp
Classification: Uncertain significance for Werner syndrome. Last evaluated: 2025-07-13. Review status: criteria provided, single submitter. Criteria: Invitae Variant Classification Sherloc (09022015). Collection method: clinical testing. Allele origin: germline.
Comment: This sequence change replaces threonine, which is neutral and polar, with serine, which is neutral and polar, at codon 728 of the WRN protein (p.Thr728Ser). This variant is not present in population databases (gnomAD no frequency). This variant has not been reported in the literature in individuals affected with WRN-related conditions. An algorithm developed to predict the effect of missense changes on protein structure and function (PolyPhen-2) suggests that this variant is likely to be disruptive. In summary, the available evidence is currently insufficient to determine the role of this variant in disease. Therefore, it has been classified as a Variant of Uncertain Significance.

NM_000553.6(WRN):c.2183C>G (p.Thr728Ser)

Gene: WRN (WRN RecQ like helicase; plus strand). Cytogenetic location: 8p12.
Variant type: single nucleotide variant.
Coding change: c.2183C>G on transcript NM_000553.6 (MANE Select); coding-DNA position 2183, C replaced by G.
Protein change: p.Thr728Ser; replaces threonine 728 with serine.
Molecular consequence: missense variant.
Genome position (GRCh38, 1-based): chr8:31,111,709, C>G. VCF-style: chr8-31111709-C-G. GRCh37 (hg19) VCF-style: chr8-30969225-C-G.
Other names: short protein forms T728S.
Identifiers: ClinVar variation 4708441 (VCV004708441.1).